The following is an entry in ClinVar:

ClinVar aggregate classification (germline): Conflicting classifications of pathogenicity. Review status: criteria provided, conflicting classifications (1 of 4 stars). 2 submissions from 2 submitters: Pathogenic (1); Uncertain significance (1). Last evaluated 2021-04-09.

Conditions:
Autism spectrum disorder. Also called: Autism spectrum disorders. Identifiers: MedGen C1510586, MeSH D000067877, MONDO:0005258.
Severe combined immunodeficiency due to CORO1A deficiency. Also called: Immunodeficiency 8; IMMUNODEFICIENCY 8 WITH LYMPHOPROLIFERATION. Identifiers: Orphanet 228003, MedGen C3809383, MONDO:0014168, OMIM 615401.

Submissions (2):

Labcorp Genetics (formerly Invitae), Labcorp
Classification: Pathogenic for Severe combined immunodeficiency due to CORO1A deficiency. Last evaluated: 2021-04-09. Review status: criteria provided, single submitter. Criteria: Invitae Variant Classification Sherloc (09022015). Collection method: clinical testing. Allele origin: germline.
Comment: For these reasons, this variant has been classified as Pathogenic. This variant has not been reported in the literature in individuals with CORO1A-related conditions. This variant is not present in population databases (ExAC no frequency). This sequence change creates a premature translational stop signal (p.Thr105Serfs*48) in the CORO1A gene. It is expected to result in an absent or disrupted protein product. Loss-of-function variants in CORO1A are known to be pathogenic (PMID: 18836449, 25073507).

Department of Genetics, Rouen University Hospital, Normandy Center for Genomic and Personalized Medicine
Classification: Uncertain significance for Autism spectrum disorder. Review status: criteria provided, single submitter. Criteria: ACMG Guidelines, 2015. Collection method: clinical testing. Allele origin: maternal. Affected: yes.

Literature cited by the submitters: PubMed 18836449 (cited by Labcorp Genetics (formerly Invitae), Labcorp); PubMed 25073507 (cited by Labcorp Genetics (formerly Invitae), Labcorp).

NM_007074.4(CORO1A):c.314_315del (p.Thr105fs)

Gene: CORO1A (coronin 1A; plus strand). Cytogenetic location: 16p11.2.
Variant type: Microsatellite.
Coding change: c.314_315del on transcript NM_007074.4 (MANE Select); coding-DNA positions 314 to 315, 2 bases deleted (CA; older notation c.314_315delCA).
Protein change: p.Thr105fs; shifts the reading frame from threonine 105.
Molecular consequence: frameshift variant.
Genome position (GRCh38, 1-based): chr16:30,186,713-30,186,714, CA deleted; deleting any 2 consecutive bases within chr16:30,186,711-30,186,714 gives the same sequence; the c. name uses the placement nearest the transcript's 3' end. VCF-style (leftmost placement, unchanged base first): chr16-30186710-GCA-G. GRCh37 (hg19) VCF-style: chr16-30198031-GCA-G.
Other names: c.314_315del, p.Thr105fs (NM_001193333.3); c.314_315delCA (NM_001193333.2); short protein forms T105fs.
Identifiers: ClinVar variation 1452393 (VCV001452393.7), dbSNP rs2151062416, ClinGen allele CA2580613457.
Genomic context (GRCh38, chr16:30,186,710, plus strand): 5'-TGCTAGACATCGCCTGGTGCCCGCACAATGACAACGTCATTGCCAGTGGCTCCGAGGACT[GCA>G]CAGTCATGGTGAGTGGTGGTGGGGACCCAGGGGCTGGGAGAGGGGCTCTAGGATGGGATC-3'